The following is an entry in ClinVar:

NM_199420.4(POLQ):c.3228T>A (p.Ser1076Arg)

Gene: POLQ (DNA polymerase theta; minus strand). Cytogenetic location: 3q13.33.
Variant type: single nucleotide variant.
Coding change: c.3228T>A on transcript NM_199420.4 (MANE Select); coding-DNA position 3228, T replaced by A.
Protein change: p.Ser1076Arg; replaces serine 1076 with arginine.
Molecular consequence: missense variant.
Genome position (GRCh38, 1-based): chr3:121,489,703, A>T on the plus strand (T>A on the coding strand, the complement: POLQ is on the minus strand). VCF-style: chr3-121489703-A-T. GRCh37 (hg19) VCF-style: chr3-121208550-A-T.
Other names: short protein forms S1076R.
Identifiers: ClinVar variation 1729146 (VCV001729146.2), dbSNP rs776285446, ClinGen allele CA2563097.

ClinVar aggregate classification (germline): Uncertain significance (1 of 4 stars; one submission).

Allele frequency attached by ClinVar (database versions not stated): gnomAD exomes below 0.00001; TOPMed below 0.00001; ExAC 0.00001; gnomAD 0.00001.
gnomAD v4.1: 5 of 1,613,488 alleles (0.00031%); highest among the groups gnomAD compares: East Asian, 0.0089%; no homozygotes.

Submission:

Ambry Genetics
Classification: Uncertain significance. Last evaluated: 2024-03-22. Review status: criteria provided, single submitter. Criteria: Ambry Variant Classification Scheme 2023. Collection method: clinical testing. Allele origin: germline.
Comment: The p.S1076R variant (also known as c.3228T>A), located in coding exon 16 of the POLQ gene, results from a T to A substitution at nucleotide position 3228. The serine at codon 1076 is replaced by arginine, an amino acid with dissimilar properties. This amino acid position is conserved. In addition, this alteration is predicted to be tolerated by in silico analysis. Since supporting evidence is limited at this time, the clinical significance of this alteration remains unclear.